The following is an entry in ClinVar:

ClinVar aggregate classification (germline): Uncertain significance. Review status: criteria provided, multiple submitters, no conflicts (2 of 4 stars). 2 submissions from 2 submitters: Uncertain significance (2). Last evaluated 2026-03-09.

Conditions:
LOXHD1-related disorder. Also called: LOXHD1-related condition.

gnomAD v4.1: 8 of 1,551,814 alleles (0.00052%); highest among the groups gnomAD compares: South Asian, 0.0024%; no homozygotes.

Submissions (2):

PreventionGenetics, part of Exact Sciences
Classification: Uncertain significance for LOXHD1-related condition. Last evaluated: 2026-03-09. Review status: criteria provided, single submitter. Criteria: ACMG Guidelines, 2015. Collection method: clinical testing. Allele origin: germline.
Comment: The LOXHD1 c.6443C>T variant is predicted to result in the amino acid substitution p.Thr2148Met. To our knowledge, this variant has not been reported in the literature. This variant is reported in 0.0044% of alleles in individuals of South Asian descent in gnomAD. At this time, the clinical significance of this variant is uncertain due to the absence of conclusive functional and genetic evidence.

Labcorp Genetics (formerly Invitae), Labcorp
Classification: Uncertain significance. Last evaluated: 2025-01-06. Review status: criteria provided, single submitter. Criteria: Invitae Variant Classification Sherloc (09022015). Collection method: clinical testing. Allele origin: germline.
Comment: This sequence change replaces threonine, which is neutral and polar, with methionine, which is neutral and non-polar, at codon 2148 of the LOXHD1 protein (p.Thr2148Met). This variant is present in population databases (rs752052483, gnomAD 0.004%). This variant has not been reported in the literature in individuals affected with LOXHD1-related conditions. An algorithm developed to predict the effect of missense changes on protein structure and function (PolyPhen-2) suggests that this variant is likely to be disruptive. In summary, the available evidence is currently insufficient to determine the role of this variant in disease. Therefore, it has been classified as a Variant of Uncertain Significance.

NM_001384474.1(LOXHD1):c.6629C>T (p.Thr2210Met)

Gene: LOXHD1 (lipoxygenase homology PLAT domains 1; minus strand). Cytogenetic location: 18q21.1.
Variant type: single nucleotide variant.
Coding change: c.6629C>T on transcript NM_001384474.1 (MANE Select); coding-DNA position 6629, C replaced by T.
Protein change: p.Thr2210Met; replaces threonine 2210 with methionine.
Molecular consequence: missense variant.
Genome position (GRCh38, 1-based): chr18:46,477,665, G>A on the plus strand (C>T on the coding strand, the complement: LOXHD1 is on the minus strand). VCF-style: chr18-46477665-G-A. GRCh37 (hg19) VCF-style: chr18-44057628-G-A.
Other names: c.6443C>T (NM_144612.6); c.3296C>T, p.Thr1099Met (NM_001145472.3); c.1346C>T, p.Thr449Met (NM_001145473.3, NM_001173129.2); c.3008C>T, p.Thr1003Met (NM_001308013.2); c.6443C>T, p.Thr2148Met (NM_144612.7); short protein forms T1003M, T2210M, T449M, T2148M, T1099M.
Identifiers: ClinVar variation 3713378 (VCV003713378.3).